The following is an entry in ClinVar:

ClinVar aggregate classification (germline): Conflicting classifications of pathogenicity. Review status: criteria provided, conflicting classifications (1 of 4 stars). 4 submissions from 4 submitters: Uncertain significance (3); Likely benign (1). Last evaluated 2025-04-25.

gnomAD v4.1: 103 of 1,612,898 alleles (0.0064%); highest among the groups gnomAD compares: Admixed American, 0.022%; no homozygotes.

Submissions (4):

Ambry Genetics
Classification: Likely benign. Last evaluated: 2025-04-25. Review status: criteria provided, single submitter. Criteria: Ambry Variant Classification Scheme 2023. Collection method: clinical testing. Allele origin: germline.

Mayo Clinic Laboratories, Mayo Clinic
Classification: Uncertain significance. Last evaluated: 2025-02-13. Review status: criteria provided, single submitter. Criteria: ACMG Guidelines, 2015. Collection method: clinical testing. Allele origin: germline. Observed: 1 variant allele.
Comment: BP4

Blueprint Genetics
Classification: Uncertain significance. Last evaluated: 2024-02-15. Review status: criteria provided, single submitter. Criteria: ACMG Guidelines, 2015. Collection method: clinical testing. Allele origin: germline.

Labcorp Genetics (formerly Invitae), Labcorp
Classification: Uncertain significance. Last evaluated: 2022-03-24. Review status: criteria provided, single submitter. Criteria: Invitae Variant Classification Sherloc (09022015). Collection method: clinical testing. Allele origin: germline.
Comment: This sequence change replaces methionine, which is neutral and non-polar, with valine, which is neutral and non-polar, at codon 735 of the C2 protein (p.Met735Val). This variant is present in population databases (rs757311436, gnomAD 0.02%). This variant has not been reported in the literature in individuals affected with C2-related conditions. Algorithms developed to predict the effect of missense changes on protein structure and function are either unavailable or do not agree on the potential impact of this missense change (SIFT: "Deleterious"; PolyPhen-2: "Benign"; Align-GVGD: "Class C0"). In summary, the available evidence is currently insufficient to determine the role of this variant in disease. Therefore, it has been classified as a Variant of Uncertain Significance.

NM_000063.6(C2):c.2203A>G (p.Met735Val)

Gene: C2 (complement C2; plus strand). Cytogenetic location: 6p21.33.
Variant type: single nucleotide variant.
Coding change: c.2203A>G on transcript NM_000063.6 (MANE Select); coding-DNA position 2203, A replaced by G.
Protein change: p.Met735Val; replaces methionine 735 with valine.
Molecular consequence: missense variant.
Genome position (GRCh38, 1-based): chr6:31,945,301, A>G. VCF-style: chr6-31945301-A-G. GRCh37 (hg19) VCF-style: chr6-31913078-A-G.
Other names: p.Met735Val; c.1807A>G, p.Met603Val (NM_001145903.3); c.1561A>G, p.Met521Val (NM_001178063.3); c.1465A>G, p.Met489Val (NM_001282457.2); c.2116A>G, p.Met706Val (NM_001282458.2); c.2203A>G (NM_000063.4); short protein forms M521V, M603V, M489V, M706V, M735V.
Identifiers: ClinVar variation 1491308 (VCV001491308.8), dbSNP rs757311436, ClinGen allele CA3727913.